The following is an entry in ClinVar:

ClinVar aggregate classification (germline): Uncertain significance (1 of 4 stars; one submission).

Conditions:
X-linked myopathy with postural muscle atrophy. Also called: FHL1-Related Emery-Dreifuss Muscular Dystrophy, X-Linked. Identifiers: Orphanet 178461, MedGen C2678055, MONDO:0010401, OMIM 300696.

Submission:

Labcorp Genetics (formerly Invitae), Labcorp
Classification: Uncertain significance for X-linked myopathy with postural muscle atrophy. Last evaluated: 2021-06-17. Review status: criteria provided, single submitter. Criteria: Invitae Variant Classification Sherloc (09022015). Collection method: clinical testing. Allele origin: germline.
Comment: In summary, the available evidence is currently insufficient to determine the role of this variant in disease. Therefore, it has been classified as a Variant of Uncertain Significance. Algorithms developed to predict the effect of missense changes on protein structure and function (SIFT, PolyPhen-2, Align-GVGD) all suggest that this variant is likely to be tolerated, but these predictions have not been confirmed by published functional studies and their clinical significance is uncertain. This variant has not been reported in the literature in individuals with FHL1-related conditions. This variant is not present in population databases (ExAC no frequency). This sequence change replaces glutamine with arginine at codon 243 of the FHL1 protein (p.Gln243Arg). The glutamine residue is weakly conserved and there is a small physicochemical difference between glutamine and arginine.

NM_001159699.2(FHL1):c.776A>G (p.Gln259Arg)

Gene: FHL1 (four and a half LIM domains 1; plus strand). Cytogenetic location: Xq26.3.
Variant type: single nucleotide variant.
Coding change: c.776A>G on transcript NM_001159699.2 (MANE Select); coding-DNA position 776, A replaced by G.
Protein change: p.Gln259Arg; replaces glutamine 259 with arginine.
Molecular consequence: missense variant. On other transcripts: non-coding transcript variant (1).
Genome position (GRCh38, 1-based): chrX:136,209,910, A>G. VCF-style: chrX-136209910-A-G. GRCh37 (hg19) VCF-style: chrX-135292069-A-G.
Other names: c.728A>G, p.Gln243Arg (NM_001159700.2, NM_001159704.1, NM_001167819.1 and 4 more transcripts); c.815A>G, p.Gln272Arg (NM_001159701.2); c.928A>G, p.Asn310Asp (NM_001159702.3, NM_001369326.1, NM_001369327.2 and 1 more transcripts); c.541A>G, p.Asn181Asp (NM_001159703.2); c.589A>G, p.Asn197Asp (NM_001330659.2); short protein forms N197D, Q272R, N310D, N181D, Q243R, Q259R.
Identifiers: ClinVar variation 1512735 (VCV001512735.8), dbSNP rs1389916579, ClinGen allele CA414609688.
Genomic context (GRCh38, chrX:136,209,910, plus strand): 5'-TTTCTTTTTTTTTCCCCCCAGGGTTTGGTAAAGGCTCCAGTGTGGTGGCCTATGAAGGAC[A>G]ATCCTGGCACGACTACTGCTTCCACTGCAAAAAATGCTCCGTGAATCTGGCCAACAAGCG-3'
Protein context (NP_001153171.1, residues 249-269): KGSSVVAYEG[Gln259Arg]SWHDYCFHCK